The following is an entry in ClinVar:

ClinVar aggregate classification (germline): Benign. Review status: criteria provided, multiple submitters, no conflicts (2 of 4 stars). 3 submissions from 3 submitters: Benign (3). Last evaluated 2021-05-08.

Conditions:
Weill-Marchesani 4 syndrome, recessive. Also called: Weill-Marchesani syndrome 4. Identifiers: Orphanet 363992, MedGen C2750787, MONDO:0013176, OMIM 613195.

Allele frequency attached by ClinVar (database versions not stated): gnomAD exomes 0.50000; 1000 Genomes Project 0.53674; 1000 Genomes Project 30x 0.54013; TOPMed 0.56604; gnomAD 0.58729 and 0.58766.
gnomAD v4.1: 89,382 of 152,142 alleles (59%); highest among the groups gnomAD compares: Non-Finnish European, 66%; 27,037 homozygotes.

Submissions (3):

GeneDx
Classification: Benign. Last evaluated: 2021-05-08. Review status: criteria provided, single submitter. Criteria: GeneDx Variant Classification Process June 2021. Collection method: clinical testing. Allele origin: germline. Affected: yes.

Illumina Laboratory Services, Illumina
Classification: Benign for Weill-Marchesani 4 syndrome, recessive. Last evaluated: 2018-01-13. Review status: criteria provided, single submitter. Criteria: ICSL Variant Classification Criteria 13 December 2019. Collection method: clinical testing. Allele origin: germline.
Comment: This variant was observed in the ICSL laboratory as part of a predisposition screen in an ostensibly healthy population. It had not been previously curated by ICSL or reported in the Human Gene Mutation Database (HGMD: prior to June 1st, 2018), and was therefore a candidate for classification through an automated scoring system. Utilizing variant allele frequency, disease prevalence and penetrance estimates, and inheritance mode, an automated score was calculated to assess if this variant is too frequent to cause the disease. Based on the score and internal cut-off values, a variant classified as benign is not then subjected to further curation. The score for this variant resulted in a classification of benign for this disease.

Breakthrough Genomics
Classification: Benign. Review status: criteria provided, single submitter. Criteria: ACMG Guidelines, 2015. Collection method: not provided. Allele origin: germline. Inheritance: Autosomal recessive inheritance. Affected: yes.

NM_139057.4(ADAMTS17):c.*900T>C

Gene: ADAMTS17 (ADAM metallopeptidase with thrombospondin type 1 motif 17; minus strand). Cytogenetic location: 15q26.3.
Variant type: single nucleotide variant.
Coding change: c.*900T>C on transcript NM_139057.4 (MANE Select); 900 bases downstream of the stop codon, T replaced by C.
Molecular consequence: 3 prime UTR variant.
Genome position (GRCh38, 1-based): chr15:99,973,502, A>G on the plus strand (T>C on the coding strand, the complement: ADAMTS17 is on the minus strand). VCF-style: chr15-99973502-A-G. GRCh37 (hg19) VCF-style: chr15-100513707-A-G.
Identifiers: ClinVar variation 315207 (VCV000315207.7), dbSNP rs2581359, ClinGen allele CA10647664.